The following is an entry in ClinVar:

ClinVar aggregate classification (germline): Uncertain significance (1 of 4 stars; one submission).

Conditions:
Anterior segment dysgenesis. Also called: Ocular anterior segment dysgenesis. Identifiers: Orphanet 88632, MedGen C1862839, MONDO:0019503, HP:0007700.
Congenital primary aphakia. Also called: Anterior segment dysgenesis 2, multiple subtypes; ANTERIOR SEGMENT DYSGENESIS 2. Identifiers: Orphanet 83461, MedGen C1853230, MONDO:0012456, OMIM 610256.

Submission:

Labcorp Genetics (formerly Invitae), Labcorp
Classification: Uncertain significance for Anterior segment dysgenesis; Congenital primary aphakia. Last evaluated: 2025-04-15. Review status: criteria provided, single submitter. Criteria: Invitae Variant Classification Sherloc (09022015). Collection method: clinical testing. Allele origin: germline.
Comment: This sequence change affects codon 106 of the FOXE3 mRNA. It is a 'silent' change, meaning that it does not change the encoded amino acid sequence of the FOXE3 protein. This variant is present in population databases (rs756805401, gnomAD 0.01%). This variant has not been reported in the literature in individuals affected with FOXE3-related conditions. In summary, the available evidence is currently insufficient to determine the role of this variant in disease. Therefore, it has been classified as a Variant of Uncertain Significance.

NM_012186.3(FOXE3):c.318C>T (p.Ala106=)

Genes: FOXE3 (forkhead box E3; plus strand), LINC01389 (long independently transcribed non-coding RNA 1389; minus strand). Cytogenetic location: 1p33.
Variant type: single nucleotide variant.
Coding change: c.318C>T on transcript NM_012186.3 (MANE Select); coding-DNA position 318, C replaced by T.
Protein change: p.Ala106=; no amino-acid change (alanine 106 retained).
Molecular consequence: synonymous variant.
Genome position (GRCh38, 1-based): chr1:47,416,633, C>T. VCF-style: chr1-47416633-C-T. GRCh37 (hg19) VCF-style: chr1-47882305-C-T.
Identifiers: ClinVar variation 4787472 (VCV004787472.1).